The following is an entry in ClinVar:

ClinVar aggregate classification (germline): Uncertain significance. Review status: criteria provided, multiple submitters, no conflicts (2 of 4 stars). 2 submissions from 2 submitters: Uncertain significance (2). Last evaluated 2023-05-04.

Conditions:
Hypogonadotropic hypogonadism 2 with or without anosmia (HH2). Also called: HYPOGONADOTROPIC HYPOGONADISM 2 WITHOUT ANOSMIA; FGFR1-Related GnRH Deficiency (Kallmann Syndrome 2); HYPOGONADOTROPIC HYPOGONADISM 2 WITH OR WITHOUT ANOSMIA, SUSCEPTIBILITY TO; HYPOGONADOTROPIC HYPOGONADISM 2 WITHOUT ANOSMIA, SUSCEPTIBILITY TO. Identifiers: Orphanet 478, MedGen C1563720, MONDO:0007844, OMIM 147950. Disease mechanism: loss of function.

gnomAD v4.1: 1 of 1,614,022 alleles (0.000062%); highest among the groups gnomAD compares: Non-Finnish European, 0.000085%; no homozygotes.

Submissions (2):

Reproductive Endocrine Unit, Massachusetts General Hospital
Classification: Uncertain significance for Hypogonadotropic hypogonadism 2 with or without anosmia. Last evaluated: 2023-05-04. Review status: criteria provided, single submitter. Criteria: ACMG Guidelines, 2015. Collection method: research. Allele origin: inherited. Affected: yes. Observed: 1 variant allele.

GeneDx
Classification: Uncertain significance. Last evaluated: 2019-03-22. Review status: criteria provided, single submitter. Criteria: GeneDx Variant Classification Process June 2021. Collection method: clinical testing. Allele origin: germline. Affected: yes.
Comment: Identified in several patients with hypogonadotropic hypogonadism in published literature, including at least one individual with Kallman syndrome, but segregation information was either not provided or showed the variant in unaffected family members (Sykiotis et al., 2010; Quaynor et al., 2011; Shaw et al., 2011; Chan et al., 2014); In silico analysis, which includes protein predictors and evolutionary conservation, supports a deleterious effect; Not observed in large population cohorts (Lek et al., 2016); This variant is associated with the following publications: (PMID: 20696889, 22035731, 25226293, 21209029)

NM_023110.3(FGFR1):c.2302G>C (p.Asp768His)

Gene: FGFR1 (fibroblast growth factor receptor 1; minus strand). Cytogenetic location: 8p11.23.
Variant type: single nucleotide variant.
Coding change: c.2302G>C on transcript NM_023110.3 (MANE Select); coding-DNA position 2302, G replaced by C.
Protein change: p.Asp768His; replaces aspartic acid 768 with histidine.
Molecular consequence: missense variant. On other transcripts: intron variant (3).
Genome position (GRCh38, 1-based): chr8:38,413,795, C>G on the plus strand (G>C on the coding strand, the complement: FGFR1 is on the minus strand). VCF-style: chr8-38413795-C-G. GRCh37 (hg19) VCF-style: chr8-38271313-C-G.
Other names: c.2296G>C, p.Asp766His (NM_001174063.2, NM_001174065.2, NM_015850.4); c.2272G>C, p.Asp758His (NM_001174064.2); c.2035G>C, p.Asp679His (NM_001174066.2, NM_023105.3); c.2395G>C, p.Asp799His (NM_001174067.2); c.2023G>C, p.Asp675His (NM_001354368.2); c.2029G>C, p.Asp677His (NM_023106.3); c.2019+123G>C (NM_001354370.2); c.2286+123G>C (NM_001354367.2); and 1 more; short protein forms D675H, D677H, D679H, D758H, D766H, D768H, D799H.
Identifiers: ClinVar variation 1303078 (VCV001303078.3), dbSNP rs121909644, ClinGen allele CA370727591.